The following is an entry in ClinVar:

NM_006662.3(SRCAP):c.4688C>G (p.Pro1563Arg)

Gene: SRCAP (Snf2 related CREBBP activator protein; plus strand). Cytogenetic location: 16p11.2.
Variant type: single nucleotide variant.
Coding change: c.4688C>G on transcript NM_006662.3 (MANE Select); coding-DNA position 4688, C replaced by G.
Protein change: p.Pro1563Arg; replaces proline 1563 with arginine.
Molecular consequence: missense variant.
Genome position (GRCh38, 1-based): chr16:30,724,112, C>G. VCF-style: chr16-30724112-C-G. GRCh37 (hg19) VCF-style: chr16-30735433-C-G.
Other names: short protein forms P1563R.
Identifiers: ClinVar variation 1467146 (VCV001467146.6), dbSNP rs2151294225, ClinGen allele CA395616452.

ClinVar aggregate classification (germline): Uncertain significance (1 of 4 stars; one submission).

Submission:

Labcorp Genetics (formerly Invitae), Labcorp
Classification: Uncertain significance. Last evaluated: 2022-09-01. Review status: criteria provided, single submitter. Criteria: Invitae Variant Classification Sherloc (09022015). Collection method: clinical testing. Allele origin: germline.
Comment: This variant is not present in population databases (gnomAD no frequency). This sequence change replaces proline, which is neutral and non-polar, with arginine, which is basic and polar, at codon 1563 of the SRCAP protein (p.Pro1563Arg). This variant has not been reported in the literature in individuals affected with SRCAP-related conditions. ClinVar contains an entry for this variant (Variation ID: 1467146). Algorithms developed to predict the effect of missense changes on protein structure and function are either unavailable or do not agree on the potential impact of this missense change (SIFT: "Deleterious"; PolyPhen-2: "Possibly Damaging"; Align-GVGD: "Class C15"). In summary, the available evidence is currently insufficient to determine the role of this variant in disease. Therefore, it has been classified as a Variant of Uncertain Significance.